The following is an entry in ClinVar:

ClinVar aggregate classification (germline): Benign. Review status: criteria provided, multiple submitters, no conflicts (2 of 4 stars). 9 submissions from 9 submitters: Benign (7). 2 of the submissions do not count toward it. Last evaluated 2026-02-04.

Conditions:
Cardiofaciocutaneous syndrome 4 (CFC4). Also called: MAP2K2-Related Cardiofaciocutaneous Syndrome. Identifiers: Orphanet 1340, MedGen C3809007, MONDO:0014114, OMIM 615280.
RASopathy. Also called: rasopathies; Noonan spectrum disorder. Identifiers: Orphanet 536391, MedGen C5555857, MONDO:0021060.

Allele frequency attached by ClinVar (database versions not stated): 1000 Genomes Project 0.00419; 1000 Genomes Project 30x 0.00468; TOPMed 0.00817; gnomAD 0.00872 and 0.00894; ESP Exome Variant Server 0.00877; gnomAD exomes 0.00890 and 0.01212; ExAC 0.00928.
gnomAD v4.1: 18,912 of 1,610,442 alleles (1.2%); highest among the groups gnomAD compares: Non-Finnish European, 1.4%; 136 homozygotes.

Submissions (15):

Labcorp Genetics (formerly Invitae), Labcorp
Classification: Benign for RASopathy. Last evaluated: 2026-02-04. Review status: criteria provided, single submitter. Criteria: Invitae Variant Classification Sherloc (09022015). Collection method: clinical testing. Allele origin: germline.

ARUP Laboratories, Molecular Genetics and Genomics, ARUP Laboratories
Classification: Benign for Cardiofaciocutaneous syndrome 4. Last evaluated: 2025-05-19. Review status: criteria provided, single submitter. Criteria: ARUP Molecular Germline Variant Investigation Process 2024. Collection method: clinical testing. Allele origin: germline.

Blueprint Genetics
Classification: Benign. Last evaluated: 2024-11-28. Review status: criteria provided, single submitter. Criteria: ACMG Guidelines, 2015. Collection method: clinical testing. Allele origin: germline.

Women's Health and Genetics/Laboratory Corporation of America, LabCorp
Classification: Benign. Last evaluated: 2019-08-19. Review status: criteria provided, single submitter. Criteria: LabCorp Variant Classification Summary - May 2015. Collection method: clinical testing. Allele origin: germline.
Comment: Variant summary: MAP2K2 c.303+18G>A alters a non-conserved nucleotide located close to a canonical splice site and therefore could affect mRNA splicing, leading to a significantly altered protein sequence. Several computational tools predict a significant impact on normal splicing: Three predict the variant creates a 5' donor site. One predicts the variant creates a 3' acceptor site. However, these predictions have yet to be confirmed by functional studies. The variant allele was found at a frequency of 0.0089 in 247876 control chromosomes in the gnomAD database, including 17 homozygotes. The observed variant frequency is approximately 3558-folds over the estimated maximal expected allele frequency for a pathogenic variant in MAP2K2 causing Noonan Syndrome and Related Conditions phenotype (2.5e-06), strongly suggesting that the variant is benign. No clinical diagnostic laboratories have submitted clinical-significance assessments for this variant to ClinVar after 2014. Based on the evidence outlined above, the variant was classified as benign.

GeneDx
Classification: Benign. Last evaluated: 2015-03-03. Review status: criteria provided, single submitter. Criteria: GeneDx Variant Classification Process June 2021. Collection method: clinical testing. Allele origin: germline. Affected: yes.

Breakthrough Genomics
Classification: Benign. Review status: criteria provided, single submitter. Criteria: ACMG Guidelines, 2015. Collection method: not provided. Allele origin: germline. Inheritance: Autosomal dominant inheritance. Affected: yes.

PreventionGenetics, part of Exact Sciences
Classification: Benign. Review status: criteria provided, single submitter. Criteria: ACMG Guidelines, 2015. Collection method: clinical testing. Allele origin: germline.

Clinical Genetics, Academic Medical Center
Classification: Benign. Review status: no assertion criteria provided. Collection method: clinical testing. Allele origin: germline. Affected: yes. Study: VKGL Data-share Consensus. Not counted in ClinVar's aggregate classification.

Dr. Peter K. Rogan Lab, Western University
No classification provided (evidence only). Condition: Uterine corpus endometrial carcinoma. Review status: no classification provided. Collection method: in vitro. Allele origin: not applicable. Functional consequence: skipped exon. Not counted in ClinVar's aggregate classification.

Dr. Peter K. Rogan Lab, Western University
No classification provided (evidence only). Condition: Cervical cancer. Review status: no classification provided. Collection method: in vitro. Allele origin: not applicable. Functional consequence: skipped exon. Not counted in ClinVar's aggregate classification.

Dr. Peter K. Rogan Lab, Western University
No classification provided (evidence only). Condition: Cervical cancer. Review status: no classification provided. Collection method: in vitro. Allele origin: not applicable. Functional consequence: retained intron. Not counted in ClinVar's aggregate classification.

Dr. Peter K. Rogan Lab, Western University
No classification provided (evidence only). Condition: Sarcoma. Review status: no classification provided. Collection method: in vitro. Allele origin: not applicable. Functional consequence: skipped exon. Not counted in ClinVar's aggregate classification.

Dr. Peter K. Rogan Lab, Western University
No classification provided (evidence only). Condition: Gastric cancer. Review status: no classification provided. Collection method: in vitro. Allele origin: not applicable. Functional consequence: retained intron. Not counted in ClinVar's aggregate classification.

Dr. Peter K. Rogan Lab, Western University
No classification provided (evidence only). Condition: Uveal melanoma. Review status: no classification provided. Collection method: in vitro. Allele origin: not applicable. Functional consequence: retained intron. Not counted in ClinVar's aggregate classification.

Joint Genome Diagnostic Labs from Nijmegen and Maastricht, Radboudumc and MUMC+
Classification: Benign. Review status: no assertion criteria provided. Collection method: clinical testing. Allele origin: germline. Affected: yes. Study: VKGL Data-share Consensus. Not counted in ClinVar's aggregate classification.

NM_030662.4(MAP2K2):c.303+18G>A

Gene: MAP2K2 (mitogen-activated protein kinase kinase 2; minus strand). Cytogenetic location: 19p13.3.
Variant type: single nucleotide variant.
Coding change: c.303+18G>A on transcript NM_030662.4 (MANE Select); 18 bases into the intron after coding-DNA position 303, G replaced by A.
Molecular consequence: intron variant.
Genome position (GRCh38, 1-based): chr19:4,117,401, C>T on the plus strand (G>A on the coding strand, the complement: MAP2K2 is on the minus strand). VCF-style: chr19-4117401-C-T. GRCh37 (hg19) VCF-style: chr19-4117399-C-T.
Identifiers: ClinVar variation 40789 (VCV000040789.32), dbSNP rs116988721, ClinGen allele CA9091052.